The following is an entry in ClinVar:

ClinVar aggregate classification (germline): Uncertain significance (1 of 4 stars; one submission).

Conditions:
Merosin deficient congenital muscular dystrophy (MDC1A). Also called: Congenital merosin-deficient muscular dystrophy 1A; Congenital Muscular Dystrophy Type 1A (MDC1A). Identifiers: Orphanet 258, MedGen C1263858, MONDO:0011925, OMIM 607855.

Allele frequency attached by ClinVar (database versions not stated): gnomAD exomes below 0.00001; ExAC 0.00001; ESP Exome Variant Server 0.00008.
gnomAD v4.1: 1 of 1,613,804 alleles (0.000062%); highest among the groups gnomAD compares: East Asian, 0.0022%; no homozygotes.

Submission:

Baylor Genetics
Classification: Uncertain significance for Merosin deficient congenital muscular dystrophy. Last evaluated: 2018-09-05. Review status: criteria provided, single submitter. Criteria: ACMG Guidelines, 2015. Collection method: clinical testing. Allele origin: unknown. Affected: yes.
Comment: This variant was determined to be of uncertain significance according to ACMG Guidelines, 2015 [PMID:25741868].

NM_000426.4(LAMA2):c.1454C>T (p.Pro485Leu)

Gene: LAMA2 (laminin subunit alpha 2; plus strand). Cytogenetic location: 6q22.33.
Variant type: single nucleotide variant.
Coding change: c.1454C>T on transcript NM_000426.4 (MANE Select); coding-DNA position 1454, C replaced by T.
Protein change: p.Pro485Leu; replaces proline 485 with leucine.
Molecular consequence: missense variant.
Genome position (GRCh38, 1-based): chr6:129,177,853, C>T. VCF-style: chr6-129177853-C-T. GRCh37 (hg19) VCF-style: chr6-129498998-C-T.
Other names: c.1454C>T, p.Pro485Leu (NM_001079823.2); short protein forms P485L.
Identifiers: ClinVar variation 1031565 (VCV001031565.1), dbSNP rs146522136, ClinGen allele CA3992604.
Genomic context (GRCh38, chr6:129,177,853, plus strand): 5'-ACTGCAAAGCCTGTAACTGCAGTGGGTTAGGGAGCAAAAATGAGGATCCTTGTTTTGGCC[C>T]CTGTATCTGCAAGGTACATTGTTTATTCCAGTAATGTCCCACTGTCAAGACAGAAGGTTA-3'
Protein context (NP_000417.3, residues 475-495): GSKNEDPCFG[Pro485Leu]CICKENVEGG